The following is an entry in ClinVar:

NM_000038.6(APC):c.2999A>G (p.Tyr1000Cys)

Gene: APC (APC regulator of Wnt signaling pathway; plus strand). Cytogenetic location: 5q22.2.
Variant type: single nucleotide variant.
Coding change: c.2999A>G on transcript NM_000038.6 (MANE Select); coding-DNA position 2999, A replaced by G.
Protein change: p.Tyr1000Cys; replaces tyrosine 1000 with cysteine.
Molecular consequence: missense variant.
Genome position (GRCh38, 1-based): chr5:112,838,593, A>G. VCF-style: chr5-112838593-A-G. GRCh37 (hg19) VCF-style: chr5-112174290-A-G.
Other names: c.2999A>G, p.Tyr1000Cys (NM_001127510.3, NM_001354895.2); c.2945A>G, p.Tyr982Cys (NM_001127511.3); c.3053A>G, p.Tyr1018Cys (NM_001354896.2); c.3029A>G, p.Tyr1010Cys (NM_001354897.2); c.2924A>G, p.Tyr975Cys (NM_001354898.2); c.2915A>G, p.Tyr972Cys (NM_001354899.2); c.2876A>G, p.Tyr959Cys (NM_001354900.2); c.2822A>G, p.Tyr941Cys (NM_001354901.2); and 5 more; short protein forms Y1000C, Y840C, Y874C, Y909C, Y959C, Y972C, Y717C, Y982C.
Identifiers: ClinVar variation 656863 (VCV000656863.12), dbSNP rs1580629714, ClinGen allele CA16027894.

ClinVar aggregate classification (germline): Uncertain significance. Review status: criteria provided, multiple submitters, no conflicts (2 of 4 stars). 2 submissions from 2 submitters: Uncertain significance (2). Last evaluated 2022-09-16.

Conditions:
Familial adenomatous polyposis 1 (FAP1). Also called: FAMILIAL ADENOMATOUS POLYPOSIS 1, ATTENUATED; POLYPOSIS, ADENOMATOUS INTESTINAL. Identifiers: MedGen C2713442, MONDO:0021056, OMIM 175100. Disease mechanism: loss of function.
Hereditary cancer-predisposing syndrome. Also called: Hereditary neoplastic syndrome; Tumor predisposition; Neoplastic Syndromes, Hereditary; Hereditary Cancer Syndrome. Identifiers: Orphanet 140162, MedGen C0027672, MeSH D009386, MONDO:0015356.

Submissions (2):

Ambry Genetics
Classification: Uncertain significance for Hereditary cancer-predisposing syndrome. Last evaluated: 2022-09-16. Review status: criteria provided, single submitter. Criteria: Ambry Variant Classification Scheme 2023. Collection method: clinical testing. Allele origin: germline.
Comment: The p.Y1000C variant (also known as c.2999A>G), located in coding exon 15 of the APC gene, results from an A to G substitution at nucleotide position 2999. The tyrosine at codon 1000 is replaced by cysteine, an amino acid with highly dissimilar properties. This amino acid position is conserved. In addition, in silico predictors for this gene do not accurately predict pathogenicity. Since supporting evidence is limited at this time, the clinical significance of this alteration remains unclear.

Labcorp Genetics (formerly Invitae), Labcorp
Classification: Uncertain significance for Familial adenomatous polyposis 1. Last evaluated: 2018-07-16. Review status: criteria provided, single submitter. Criteria: Invitae Variant Classification Sherloc (09022015). Collection method: clinical testing. Allele origin: germline.
Comment: In summary, the available evidence is currently insufficient to determine the role of this variant in disease. Therefore, it has been classified as a Variant of Uncertain Significance. Algorithms developed to predict the effect of missense changes on protein structure and function are either unavailable or do not agree on the potential impact of this missense change (SIFT: "Deleterious"; PolyPhen-2: "Probably Damaging"; Align-GVGD: "Class C0"). This variant has not been reported in the literature in individuals with APC-related disease. This variant is not present in population databases (ExAC no frequency). This sequence change replaces tyrosine with cysteine at codon 1000 of the APC protein (p.Tyr1000Cys). The tyrosine residue is highly conserved and there is a large physicochemical difference between tyrosine and cysteine.